The following is an entry in ClinVar:

ClinVar aggregate classification (germline): Uncertain significance. Review status: criteria provided, multiple submitters, no conflicts (2 of 4 stars). 2 submissions from 2 submitters: Uncertain significance (2). Last evaluated 2024-12-13.

Conditions:
Hereditary cancer-predisposing syndrome. Also called: Hereditary neoplastic syndrome; Tumor predisposition; Neoplastic Syndromes, Hereditary; Hereditary Cancer Syndrome. Identifiers: Orphanet 140162, MedGen C0027672, MeSH D009386, MONDO:0015356.
Microcephaly, normal intelligence and immunodeficiency (NBS). Also called: Immunodeficiency, microcephaly with normal intelligence; Nijmegen breakage syndrome; Ataxia telangiectasia variant V1; SEEMANOVA SYNDROME II; BERLIN BREAKAGE SYNDROME; IMMUNODEFICIENCY, MICROCEPHALY, AND CHROMOSOMAL INSTABILITY. Identifiers: Orphanet 647, MedGen C0398791, MONDO:0009623, OMIM 251260.

Submissions (2):

Ambry Genetics
Classification: Uncertain significance for Hereditary cancer-predisposing syndrome. Last evaluated: 2024-12-13. Review status: criteria provided, single submitter. Criteria: Ambry Variant Classification Scheme 2023. Collection method: clinical testing. Allele origin: germline.
Comment: The p.A308V variant (also known as c.923C>T), located in coding exon 8 of the NBN gene, results from a C to T substitution at nucleotide position 923. The alanine at codon 308 is replaced by valine, an amino acid with similar properties. This amino acid position is conserved. In addition, this alteration is predicted to be tolerated by in silico analysis. Based on the available evidence, the clinical significance of this variant remains unclear.

Labcorp Genetics (formerly Invitae), Labcorp
Classification: Uncertain significance for Microcephaly, normal intelligence and immunodeficiency. Last evaluated: 2022-07-12. Review status: criteria provided, single submitter. Criteria: Invitae Variant Classification Sherloc (09022015). Collection method: clinical testing. Allele origin: germline.
Comment: This sequence change replaces alanine, which is neutral and non-polar, with valine, which is neutral and non-polar, at codon 308 of the NBN protein (p.Ala308Val). This variant is not present in population databases (gnomAD no frequency). This variant has not been reported in the literature in individuals affected with NBN-related conditions. ClinVar contains an entry for this variant (Variation ID: 963778). Algorithms developed to predict the effect of missense changes on protein structure and function (SIFT, PolyPhen-2, Align-GVGD) all suggest that this variant is likely to be tolerated. In summary, the available evidence is currently insufficient to determine the role of this variant in disease. Therefore, it has been classified as a Variant of Uncertain Significance.

NM_002485.5(NBN):c.923C>T (p.Ala308Val)

Gene: NBN (nibrin; minus strand). Cytogenetic location: 8q21.3.
Variant type: single nucleotide variant.
Coding change: c.923C>T on transcript NM_002485.5 (MANE Select); coding-DNA position 923, C replaced by T.
Protein change: p.Ala308Val; replaces alanine 308 with valine.
Molecular consequence: missense variant.
Genome position (GRCh38, 1-based): chr8:89,964,481, G>A on the plus strand (C>T on the coding strand, the complement: NBN is on the minus strand). VCF-style: chr8-89964481-G-A. GRCh37 (hg19) VCF-style: chr8-90976709-G-A.
Other names: c.677C>T, p.Ala226Val (NM_001024688.3); short protein forms A226V, A308V.
Identifiers: ClinVar variation 963778 (VCV000963778.8), dbSNP rs1554562176, ClinGen allele CA371657068.
Genomic context (GRCh38, chr8:89,964,481, plus strand): 5'-TGGCCCTGAGGATCACAGTAATTCTTTGTAGTCATGAAAATCACCGCCAATCCAATTTCT[G>A]CTTCAGGAATAGGTCTAAGACCTTGCCTATTAGAATAAAATAGTTTAAGTATGATAATAT-3'
Protein context (NP_002476.2, residues 298-318): QRQGLRPIPE[Ala308Val]EIGLAVIFMT